The following is an entry in ClinVar:

ClinVar aggregate classification (germline): Uncertain significance (1 of 4 stars; one submission).

Allele frequency attached by ClinVar (database versions not stated): TOPMed below 0.00001.
gnomAD v4.1: 2 of 1,614,194 alleles (0.00012%); highest among the groups gnomAD compares: Non-Finnish European, 0.00017%; no homozygotes.

Submission:

Women's Health and Genetics/Laboratory Corporation of America, LabCorp
Classification: Uncertain significance. Last evaluated: 2023-05-23. Review status: criteria provided, single submitter. Criteria: LabCorp Variant Classification Summary - May 2015. Collection method: clinical testing. Allele origin: germline.
Comment: Variant summary: CCM2 c.153G>T (p.Glu51Asp) results in a conservative amino acid change in the encoded protein sequence. Three of four in-silico tools predict a benign effect of the variant on protein function. The variant was absent in 251408 control chromosomes (gnomAD). The available data on variant occurrences in the general population are insufficient to allow any conclusion about variant significance. To our knowledge, no occurrence of c.153G>T in individuals affected with Cerebral Cavernous Malformation 2 and no experimental evidence demonstrating its impact on protein function have been reported. No clinical diagnostic laboratories have submitted clinical-significance assessments for this variant to ClinVar after 2014. Based on the evidence outlined above, the variant was classified as uncertain significance.

NM_031443.4(CCM2):c.153G>T (p.Glu51Asp)

Gene: CCM2 (CCM2 scaffold protein; plus strand). Cytogenetic location: 7p13.
Variant type: single nucleotide variant.
Coding change: c.153G>T on transcript NM_031443.4 (MANE Select); coding-DNA position 153, G replaced by T.
Protein change: p.Glu51Asp; replaces glutamic acid 51 with aspartic acid.
Molecular consequence: missense variant. On other transcripts: non-coding transcript variant (1), intron variant (2).
Genome position (GRCh38, 1-based): chr7:45,038,375, G>T. VCF-style: chr7-45038375-G-T. GRCh37 (hg19) VCF-style: chr7-45077974-G-T.
Other names: c.216G>T, p.Glu72Asp (NM_001029835.2); c.153G>T, p.Glu51Asp (NM_001167935.2, NM_001363458.2); c.31-25543G>T (NM_001363459.2, NM_001167934.2); short protein forms E51D, E72D.
Identifiers: ClinVar variation 2506064 (VCV002506064.1), dbSNP rs1797326323, ClinGen allele CA367427189.